The following is an entry in ClinVar:

ClinVar aggregate classification (germline): Uncertain significance (1 of 4 stars; one submission).

Submission:

Labcorp Genetics (formerly Invitae), Labcorp
Classification: Uncertain significance. Last evaluated: 2022-08-06. Review status: criteria provided, single submitter. Criteria: Invitae Variant Classification Sherloc (09022015). Collection method: clinical testing. Allele origin: germline.
Comment: A copy number gain of the genomic region encompassing the full coding sequence of the ERCC6 gene has been identified. The boundaries of this event are unknown as they extend beyond the assayed region for this gene and therefore may encompass additional genes. As the precise location of this event is unknown, it may be in tandem or it may be located elsewhere in the genome. This variant has not been reported in the literature in individuals affected with ERCC6-related conditions. In summary, the available evidence is currently insufficient to determine the role of this variant in disease. Therefore, it has been classified as a Variant of Uncertain Significance.

NC_000010.10:g.(?_50666861)_(51549496_?)dup

Genes: C10orf53 (chromosome 10 open reading frame 53; plus strand), CHAT (choline O-acetyltransferase; plus strand), ERCC6 (ERCC excision repair 6, chromatin remodeling factor; minus strand), OGDHL (oxoglutarate dehydrogenase L; minus strand), PARG (poly(ADP-ribose) glycohydrolase; minus strand) and 2 more. Cytogenetic location: 10q11.23.
Variant type: Duplication.
Identifiers: ClinVar variation 1409018 (VCV001409018.4).